The following is an entry in ClinVar:

NM_018129.4(PNPO):c.628G>T (p.Val210Phe)

Gene: PNPO (pyridoxamine 5'-phosphate oxidase; plus strand). Cytogenetic location: 17q21.32.
Variant type: single nucleotide variant.
Coding change: c.628G>T on transcript NM_018129.4 (MANE Select); coding-DNA position 628, G replaced by T.
Protein change: p.Val210Phe; replaces valine 210 with phenylalanine.
Molecular consequence: missense variant.
Genome position (GRCh38, 1-based): chr17:47,946,624, G>T. VCF-style: chr17-47946624-G-T. GRCh37 (hg19) VCF-style: chr17-46023990-G-T.
Other names: short protein forms V210F.
Identifiers: ClinVar variation 593357 (VCV000593357.11), dbSNP rs146339491, ClinGen allele CA8629262.
Genomic context (GRCh38, chr17:47,946,624, plus strand): 5'-CCTGGCTAGAAAACTCCACAGAGCACTGAAACCTCTGCTTCTCCTTATAGGGGTGGCTAT[G>T]TCCTGTACCCTCAGGTGATGGAGTTCTGGCAAGGTCAAACCAACCGCCTGCATGACCGGA-3'
Protein context (NP_060599.1, residues 200-220): VPKPKSWGGY[Val210Phe]LYPQVMEFWQ

ClinVar aggregate classification (germline): Uncertain significance. Review status: criteria provided, multiple submitters, no conflicts (2 of 4 stars). 3 submissions from 3 submitters: Uncertain significance (3). Last evaluated 2022-06-20.

Conditions:
Pyridoxal phosphate-responsive seizures (PNPOD). Also called: Pyridoxal 5'-Phosphate (PLP)-Dependent Epilepsy; Pyridoxamine 5-Prime-Phosphate Oxidase Deficiency; Pyridoxine-5'-phosphate oxidase deficiency; EPILEPTIC ENCEPHALOPATHY, NEONATAL, PNPO-RELATED; SEIZURES, PYRIDOXINE-RESISTANT, PLP-SENSITIVE. Identifiers: Orphanet 79096, MedGen C1864723, MONDO:0012407, OMIM 610090. Disease mechanism: loss of function.

Allele frequency attached by ClinVar (database versions not stated): gnomAD exomes 0.00001 and 0.00003; ExAC 0.00006; gnomAD 0.00013; TOPMed 0.00015; 1000 Genomes Project 30x 0.00016; 1000 Genomes Project 0.00020; ESP Exome Variant Server 0.00046.

Submissions (3):

Labcorp Genetics (formerly Invitae), Labcorp
Classification: Uncertain significance for Pyridoxal phosphate-responsive seizures. Last evaluated: 2022-06-20. Review status: criteria provided, single submitter. Criteria: Invitae Variant Classification Sherloc (09022015). Collection method: clinical testing. Allele origin: germline.
Comment: This sequence change replaces valine, which is neutral and non-polar, with phenylalanine, which is neutral and non-polar, at codon 210 of the PNPO protein (p.Val210Phe). This variant is present in population databases (rs146339491, gnomAD 0.05%). This variant has not been reported in the literature in individuals affected with PNPO-related conditions. ClinVar contains an entry for this variant (Variation ID: 593357). Algorithms developed to predict the effect of missense changes on protein structure and function (SIFT, PolyPhen-2, Align-GVGD) all suggest that this variant is likely to be tolerated. Algorithms developed to predict the effect of sequence changes on RNA splicing suggest that this variant may create or strengthen a splice site. In summary, the available evidence is currently insufficient to determine the role of this variant in disease. Therefore, it has been classified as a Variant of Uncertain Significance.

GeneDx
Classification: Uncertain significance. Last evaluated: 2021-05-06. Review status: criteria provided, single submitter. Criteria: GeneDx Variant Classification Process June 2021. Collection method: clinical testing. Allele origin: germline. Affected: yes.
Comment: In silico analysis, which includes protein predictors and evolutionary conservation, supports a deleterious effect; Has not been previously published as pathogenic or benign to our knowledge

Eurofins Ntd Llc (ga)
Classification: Uncertain significance. Last evaluated: 2017-07-26. Review status: criteria provided, single submitter. Criteria: EGL Classification Definitions 2015. Collection method: clinical testing. Allele origin: germline. Observed: 1 variant allele, 1 heterozygote.